The following is an entry in ClinVar:

NM_000796.6(DRD3):c.155T>C (p.Met52Thr)

Gene: DRD3 (dopamine receptor D3; minus strand). Cytogenetic location: 3q13.31.
Variant type: single nucleotide variant.
Coding change: c.155T>C on transcript NM_000796.6 (MANE Select); coding-DNA position 155, T replaced by C.
Protein change: p.Met52Thr; replaces methionine 52 with threonine.
Molecular consequence: missense variant.
Genome position (GRCh38, 1-based): chr3:114,171,838, A>G on the plus strand (T>C on the coding strand, the complement: DRD3 is on the minus strand). VCF-style: chr3-114171838-A-G. GRCh37 (hg19) VCF-style: chr3-113890685-A-G.
Other names: c.155T>C (NM_000796.3); c.155T>C, p.Met52Thr (NM_001282563.2, NM_001290809.1, NM_033663.6); short protein forms M52T.
Identifiers: ClinVar variation 2654054 (VCV002654054.27), dbSNP rs201882973, ClinGen allele CA2550683.

ClinVar aggregate classification (germline): Conflicting classifications of pathogenicity. Review status: criteria provided, conflicting classifications (1 of 4 stars). 3 submissions from 3 submitters: Uncertain significance (2); Likely benign (1). Last evaluated 2026-07-01.

Conditions:
DRD3-related disorder. Also called: DRD3-related condition.

Allele frequency attached by ClinVar (database versions not stated): TOPMed 0.00022; ExAC 0.00030; gnomAD 0.00031.

Submissions (3):

CeGaT Center for Human Genetics Tuebingen
Classification: Likely benign. Last evaluated: 2026-07-01. Review status: criteria provided, single submitter. Criteria: CeGaT Center For Human Genetics Tuebingen Variant Classification Criteria Version 2. Collection method: clinical testing. Allele origin: germline. Affected: yes. Observed: 2 variant alleles.
Comment: DRD3: BP4

Ambry Genetics
Classification: Uncertain significance. Last evaluated: 2024-10-08. Review status: criteria provided, single submitter. Criteria: Ambry Variant Classification Scheme 2023. Collection method: clinical testing. Allele origin: germline.

Department of Pathology and Laboratory Medicine, Sinai Health System
Classification: Uncertain significance for DRD3-related condition. Last evaluated: 2023-01-05. Review status: criteria provided, single submitter. Criteria: ACMG Guidelines, 2015. Collection method: research. Allele origin: germline.